The following is an entry in ClinVar:

ClinVar aggregate classification (germline): Uncertain significance. Review status: criteria provided, multiple submitters, no conflicts (2 of 4 stars). 3 submissions from 3 submitters: Uncertain significance (3). Last evaluated 2024-09-15.

Conditions:
Inborn genetic diseases. Identifiers: MedGen C0950123, MeSH D030342.
Nephronophthisis 18 (NPHP18). Identifiers: Orphanet 655, MedGen C3890591, MONDO:0014374, OMIM 615862.

Allele frequency attached by ClinVar (database versions not stated): gnomAD exomes 0.00010 and 0.00004; TOPMed 0.00014; ExAC 0.00003; gnomAD 0.00010.
gnomAD v4.1: 73 of 1,613,930 alleles (0.0045%); highest among the groups gnomAD compares: Admixed American, 0.047%; no homozygotes.

Submissions (3):

Blueprint Genetics
Classification: Uncertain significance. Last evaluated: 2024-09-15. Review status: criteria provided, single submitter. Criteria: ACMG Guidelines, 2015. Collection method: clinical testing. Allele origin: germline.

Labcorp Genetics (formerly Invitae), Labcorp
Classification: Uncertain significance for Nephronophthisis 18. Last evaluated: 2023-08-04. Review status: criteria provided, single submitter. Criteria: Invitae Variant Classification Sherloc (09022015). Collection method: clinical testing. Allele origin: germline.
Comment: In summary, the available evidence is currently insufficient to determine the role of this variant in disease. Therefore, it has been classified as a Variant of Uncertain Significance. This sequence change replaces leucine, which is neutral and non-polar, with valine, which is neutral and non-polar, at codon 266 of the CEP83 protein (p.Leu266Val). This variant is present in population databases (rs568103955, gnomAD 0.06%). This variant has not been reported in the literature in individuals affected with CEP83-related conditions. ClinVar contains an entry for this variant (Variation ID: 849614). Advanced modeling of protein sequence and biophysical properties (such as structural, functional, and spatial information, amino acid conservation, physicochemical variation, residue mobility, and thermodynamic stability) performed at Invitae indicates that this missense variant is expected to disrupt CEP83 protein function.

Ambry Genetics
Classification: Uncertain significance for Inborn genetic diseases. Last evaluated: 2021-08-17. Review status: criteria provided, single submitter. Criteria: Ambry Variant Classification Scheme 2023. Collection method: clinical testing. Allele origin: germline.

NM_016122.3(CEP83):c.796C>G (p.Leu266Val)

Gene: CEP83 (centrosomal protein 83; minus strand). Cytogenetic location: 12q22.
Variant type: single nucleotide variant.
Coding change: c.796C>G on transcript NM_016122.3 (MANE Select); coding-DNA position 796, C replaced by G.
Protein change: p.Leu266Val; replaces leucine 266 with valine.
Molecular consequence: missense variant. On other transcripts: non-coding transcript variant (3).
Genome position (GRCh38, 1-based): chr12:94,378,796, G>C on the plus strand (C>G on the coding strand, the complement: CEP83 is on the minus strand). VCF-style: chr12-94378796-G-C. GRCh37 (hg19) VCF-style: chr12-94772572-G-C.
Other names: c.796C>G, p.Leu266Val (NM_001042399.2, NM_001346457.2, NM_001346460.2 and 3 more transcripts); c.484C>G, p.Leu162Val (NM_001346458.2, NM_001346459.2, NM_001346462.2 and 2 more transcripts); c.571C>G, p.Leu191Val (NM_001368041.1); c.259C>G, p.Leu87Val (NM_001368042.1); short protein forms L162V, L191V, L87V, L266V.
Identifiers: ClinVar variation 849614 (VCV000849614.7), dbSNP rs568103955, ClinGen allele CA6721845.
Genomic context (GRCh38, chr12:94,378,796, plus strand): 5'-AACTGCACTTTAAAAAAGTATGCCATACTCTACTGGGAAGTAATTAGAATCTTACCTCCA[G>C]GGATCTGACTGTAGCCTGCATCTCAGCCAACTGCCGCACCTGTATTCTTTGGGCATTTTC-3'
Protein context (NP_057206.2, residues 256-276): LAEMQATVRS[Leu266Val]EAEKQSANLR